The following is an entry in ClinVar:

ClinVar aggregate classification (germline): Uncertain significance (1 of 4 stars; one submission).

Allele frequency attached by ClinVar (database versions not stated): gnomAD exomes below 0.00001.
gnomAD v4.1: 2 of 1,614,038 alleles (0.00012%); highest among the groups gnomAD compares: Non-Finnish European, 0.00017%; no homozygotes.

Submission:

Ambry Genetics
Classification: Uncertain significance. Last evaluated: 2023-04-27. Review status: criteria provided, single submitter. Criteria: Ambry Variant Classification Scheme 2023. Collection method: clinical testing. Allele origin: germline.
Comment: The p.S510N variant (also known as c.1529G>A), located in coding exon 14 of the RAD54L gene, results from a G to A substitution at nucleotide position 1529. The serine at codon 510 is replaced by asparagine, an amino acid with highly similar properties. This amino acid position is conserved. In addition, this alteration is predicted to be tolerated by in silico analysis. Since supporting evidence is limited at this time, the clinical significance of this alteration remains unclear.

NM_003579.4(RAD54L):c.1529G>A (p.Ser510Asn)

Gene: RAD54L (RAD54 like; plus strand). Cytogenetic location: 1p34.1.
Variant type: single nucleotide variant.
Coding change: c.1529G>A on transcript NM_003579.4 (MANE Select); coding-DNA position 1529, G replaced by A.
Protein change: p.Ser510Asn; replaces serine 510 with asparagine.
Molecular consequence: missense variant.
Genome position (GRCh38, 1-based): chr1:46,273,666, G>A. VCF-style: chr1-46273666-G-A. GRCh37 (hg19) VCF-style: chr1-46739338-G-A.
Other names: c.1529G>A, p.Ser510Asn (NM_001142548.2); c.989G>A, p.Ser330Asn (NM_001370766.1); short protein forms S330N, S510N.
Identifiers: ClinVar variation 2560363 (VCV002560363.2), dbSNP rs2148302020, ClinGen allele CA340182049.
Genomic context (GRCh38, chr1:46,273,666, plus strand): 5'-GGTTGCTGCTCTTCCCAGGTAAGATGCTGGTCCTGGATTATATTCTGGCGGTGACCCGAA[G>A]CCGTAGCAGTGACAAAGTAGTGCTGGTGTCGAATTACACCCAGACTTTGGATCTCTTTGA-3'
Protein context (NP_003570.2, residues 500-520): VLDYILAVTR[Ser510Asn]RSSDKVVLVS